The following is an entry in ClinVar:

ClinVar aggregate classification (germline): Uncertain significance. Review status: criteria provided, multiple submitters, no conflicts (2 of 4 stars). 2 submissions from 2 submitters: Uncertain significance (2). Last evaluated 2024-12-10.

Conditions:
Fanconi anemia (FA). Also called: Fanconi's anemia. Identifiers: Orphanet 84, MedGen C0015625, MeSH D005199, MONDO:0019391.
Fanconi anemia complementation group P. Also called: SLX4-Related Fanconi Anemia. Identifiers: Orphanet 84, MedGen C3469542, MONDO:0013499, OMIM 613951.

Allele frequency attached by ClinVar (database versions not stated): gnomAD 0.00001 and 0.00003; gnomAD exomes 0.00001 and 0.00004; TOPMed 0.00003; ExAC 0.00006; 1000 Genomes Project 30x 0.00016; 1000 Genomes Project 0.00020.
gnomAD v4.1: 16 of 1,612,504 alleles (0.00099%); highest among the groups gnomAD compares: Admixed American, 0.0067%; no homozygotes.

Submissions (2):

Labcorp Genetics (formerly Invitae), Labcorp
Classification: Uncertain significance for Fanconi anemia. Last evaluated: 2024-12-10. Review status: criteria provided, single submitter. Criteria: Invitae Variant Classification Sherloc (09022015). Collection method: clinical testing. Allele origin: germline.
Comment: This sequence change replaces proline, which is neutral and non-polar, with leucine, which is neutral and non-polar, at codon 1032 of the SLX4 protein (p.Pro1032Leu). This variant is present in population databases (rs200924744, gnomAD 0.009%). This variant has not been reported in the literature in individuals affected with SLX4-related conditions. ClinVar contains an entry for this variant (Variation ID: 456305). An algorithm developed to predict the effect of missense changes on protein structure and function outputs the following: PolyPhen-2: "Benign". The leucine amino acid residue is found in multiple mammalian species, which suggests that this missense change does not adversely affect protein function. In summary, the available evidence is currently insufficient to determine the role of this variant in disease. Therefore, it has been classified as a Variant of Uncertain Significance.

Fulgent Genetics
Classification: Uncertain significance for Fanconi anemia complementation group P. Last evaluated: 2024-04-01. Review status: criteria provided, single submitter. Criteria: ACMG Guidelines, 2015. Collection method: clinical testing. Allele origin: germline.

NM_032444.4(SLX4):c.3095C>T (p.Pro1032Leu)

Gene: SLX4 (SLX4 structure-specific endonuclease subunit; minus strand). Cytogenetic location: 16p13.3.
Variant type: single nucleotide variant.
Coding change: c.3095C>T on transcript NM_032444.4 (MANE Select); coding-DNA position 3095, C replaced by T.
Protein change: p.Pro1032Leu; replaces proline 1032 with leucine.
Molecular consequence: missense variant.
Genome position (GRCh38, 1-based): chr16:3,590,543, G>A on the plus strand (C>T on the coding strand, the complement: SLX4 is on the minus strand). VCF-style: chr16-3590543-G-A. GRCh37 (hg19) VCF-style: chr16-3640544-G-A.
Other names: c.3095C>T (LRG_503t1); short protein forms P1032L.
Identifiers: ClinVar variation 456305 (VCV000456305.8), dbSNP rs200924744, ClinGen allele CA7865997.
Genomic context (GRCh38, chr16:3,590,543, plus strand): 5'-CTTGTGTGATGAGACCCGCGGGGACTCCCGCCCTGGGGAGGCCCCAATAGGAAGCGGCAC[G>A]GGTGCGGTGGAGATGCCTGCCAGGGAGCCAGGCGATGAGAAACCTCCAGCCCCCTTTCCC-3'
Protein context (NP_115820.2, residues 1022-1042): LAPWQASPPH[Pro1032Leu]CRFLLGPPQG